The following is an entry in ClinVar:

NM_000282.4(PCCA):c.12C>G (p.Phe4Leu)

Gene: PCCA (propionyl-CoA carboxylase subunit alpha; plus strand). Cytogenetic location: 13q32.3.
Variant type: single nucleotide variant.
Coding change: c.12C>G on transcript NM_000282.4 (MANE Select); coding-DNA position 12, C replaced by G.
Protein change: p.Phe4Leu; replaces phenylalanine 4 with leucine.
Molecular consequence: missense variant. On other transcripts: 5 prime UTR variant (3), non-coding transcript variant (5).
Genome position (GRCh38, 1-based): chr13:100,089,132, C>G. VCF-style: chr13-100089132-C-G. GRCh37 (hg19) VCF-style: chr13-100741386-C-G.
Other names: c.12C>G, p.Phe4Leu (NM_001127692.3, NM_001178004.2, NM_001352605.2 and 4 more transcripts); c.-855C>G (NM_001352610.2, NM_001352611.2, NM_001352612.2); short protein forms F4L.
Identifiers: ClinVar variation 1519347 (VCV001519347.3), dbSNP rs759257021, ClinGen allele CA388692598.
Genomic context (GRCh38, chr13:100,089,132, plus strand): 5'-CCTCCGGCTGTGTGAGAGGTCAGCAGAGGGGCGGTCTGCGGGGACAACAATGGCGGGGTT[C>G]TGGGTCGGGACAGCACCGCTGGTCGCTGCCGGACGGCGTGGGCGGTGGCCGCCGCAGCAG-3'
Protein context (NP_000273.2, residues 1-14): MAG[Phe4Leu]WVGTAPLVAA

ClinVar aggregate classification (germline): Uncertain significance (1 of 4 stars; one submission).

Conditions:
Propionic acidemia (PROP). Also called: GLYCINEMIA, KETOTIC; HYPERGLYCINEMIA WITH KETOACIDOSIS AND LEUKOPENIA; KETOTIC HYPERGLYCINEMIA. Identifiers: Orphanet 35, MedGen C0268579, MONDO:0011628, OMIM 606054, HP:0003571.

gnomAD v4.1: 2 of 1,506,174 alleles (0.00013%); highest among the groups gnomAD compares: African/African-American, 0.0014%; no homozygotes.

Submission:

Labcorp Genetics (formerly Invitae), Labcorp
Classification: Uncertain significance for Propionic acidemia. Last evaluated: 2021-09-21. Review status: criteria provided, single submitter. Criteria: Invitae Variant Classification Sherloc (09022015). Collection method: clinical testing. Allele origin: germline.
Comment: This sequence change replaces phenylalanine with leucine at codon 4 of the PCCA protein (p.Phe4Leu). The phenylalanine residue is weakly conserved and there is a small physicochemical difference between phenylalanine and leucine. The frequency data for this variant in the population databases is considered unreliable, as metrics indicate insufficient coverage at this position in the ExAC database. This variant has not been reported in the literature in individuals affected with PCCA-related conditions. Advanced modeling of protein sequence and biophysical properties (such as structural, functional, and spatial information, amino acid conservation, physicochemical variation, residue mobility, and thermodynamic stability) performed at Invitae indicates that this missense variant is not expected to disrupt PCCA protein function. In summary, the available evidence is currently insufficient to determine the role of this variant in disease. Therefore, it has been classified as a Variant of Uncertain Significance.